The following is an entry in ClinVar:

NM_001009999.3(KDM1A):c.1022G>A (p.Arg341His)

Gene: KDM1A (lysine demethylase 1A; plus strand). Cytogenetic location: 1p36.12.
Variant type: single nucleotide variant.
Coding change: c.1022G>A on transcript NM_001009999.3 (MANE Select); coding-DNA position 1022, G replaced by A.
Protein change: p.Arg341His; replaces arginine 341 with histidine.
Molecular consequence: missense variant.
Genome position (GRCh38, 1-based): chr1:23,057,515, G>A. VCF-style: chr1-23057515-G-A. GRCh37 (hg19) VCF-style: chr1-23384008-G-A.
Other names: c.962G>A, p.Arg321His (NM_001363654.2, NM_001410763.1, NM_015013.4); c.1022G>A, p.Arg341His (NM_001410762.1); short protein forms R321H, R341H.
Identifiers: ClinVar variation 4042075 (VCV004042075.1).

ClinVar aggregate classification (germline): Uncertain significance (1 of 4 stars; one submission).

Conditions:
Inborn genetic diseases. Identifiers: MedGen C0950123, MeSH D030342.

gnomAD v4.1: 4 of 1,613,848 alleles (0.00025%); highest among the groups gnomAD compares: Admixed American, 0.0033%; no homozygotes.

Submission:

Ambry Genetics
Classification: Uncertain significance for Inborn genetic diseases. Last evaluated: 2025-04-01. Review status: criteria provided, single submitter. Criteria: Ambry Variant Classification Scheme 2023. Collection method: clinical testing. Allele origin: germline.
Comment: The p.R341H variant (also known as c.1022G>A), located in coding exon 8 of the KDM1A gene, results from a G to A substitution at nucleotide position 1022. The arginine at codon 341 is replaced by histidine, an amino acid with highly similar properties. This amino acid position is conserved. In addition, this alteration is predicted to be deleterious by in silico analysis. Based on the available evidence, the clinical significance of this variant remains unclear.